The following is an entry in ClinVar:

NM_145239.3(PRRT2):c.487C>T (p.Gln163Ter)

Genes: MVP-DT (MVP divergent transcript; minus strand), PRRT2 (proline rich transmembrane protein 2; plus strand). Cytogenetic location: 16p11.2.
Variant type: single nucleotide variant.
Coding change: c.487C>T on transcript NM_145239.3 (MANE Select); coding-DNA position 487, C replaced by T.
Protein change: p.Gln163Ter; replaces glutamine 163 with a stop codon.
Molecular consequence: nonsense.
Genome position (GRCh38, 1-based): chr16:29,813,541, C>T. VCF-style: chr16-29813541-C-T. GRCh37 (hg19) VCF-style: chr16-29824862-C-T.
Other names: c.487C>T, p.Gln163Ter (NM_001256442.2, NM_001256443.2); short protein forms Q163*.
Identifiers: ClinVar variation 31176 (VCV000031176.4), dbSNP rs387907127, ClinGen allele CA129730.

ClinVar aggregate classification (germline): Pathogenic. Review status: criteria provided, single submitter (1 of 4 stars). 3 submissions from 2 submitters: Pathogenic (1). 2 of the submissions do not count toward it. Last evaluated 2025-01-03.

Conditions:
Inborn genetic diseases. Identifiers: MedGen C0950123, MeSH D030342.
Infantile convulsions and choreoathetosis (ICCA). Also called: PRRT2-Related Paroxysmal Kinesigenic Dyskinesia with Infantile Convulsions (PKD/IC); PAROXYSMAL KINESIGENIC DYSKINESIA WITH INFANTILE CONVULSIONS. Identifiers: Orphanet 31709, MedGen C1865926, MONDO:0011178, OMIM 602066.
Episodic kinesigenic dyskinesia 1 (EKD1). Also called: PRRT2-Related Paroxysmal Kinesigenic Dyskinesia (PKD); PAROXYSMAL KINESIGENIC CHOREOATHETOSIS; Dystonia 10; DYSTONIA, FAMILIAL PAROXYSMAL; PxMD-PRRT2. Identifiers: Orphanet 98809, MedGen C4552000, MONDO:0100352, OMIM 128200, MONDO:0007494.

Submissions (3):

Ambry Genetics
Classification: Pathogenic for Inborn genetic diseases. Last evaluated: 2025-01-03. Review status: criteria provided, single submitter. Criteria: Ambry Variant Classification Scheme 2023. Collection method: clinical testing. Allele origin: germline.
Comment: The c.487C>T (p.Q163*) alteration, located in exon 2 (coding exon 1) of the PRRT2 gene, consists of a C to T substitution at nucleotide position 487. This changes the amino acid from a glutamine (Q) to a stop codon at amino acid position 163. This alteration is expected to result in loss of function by premature protein truncation or nonsense-mediated mRNA decay. This variant was not reported in population-based cohorts in the Genome Aggregation Database (gnomAD). This variant was identified in multiple individuals with features consistent with paroxysmal kinesigenic dyskinesia with infantile convulsions (PKD/IC) and segregated with disease in at least one family (Wang, 2011). Based on the available evidence, this alteration is classified as pathogenic.

OMIM
Classification: Pathogenic for EPISODIC KINESIGENIC DYSKINESIA 1. Last evaluated: 2011-12-01. Review status: no assertion criteria provided. Collection method: literature only. Allele origin: germline. Not counted in ClinVar's aggregate classification.

OMIM
Classification: Pathogenic for CONVULSIONS, FAMILIAL INFANTILE, WITH PAROXYSMAL CHOREOATHETOSIS. Last evaluated: 2011-12-01. Review status: no assertion criteria provided. Collection method: literature only. Allele origin: germline. Not counted in ClinVar's aggregate classification.

Literature cited by the submitters: PubMed 22120146 (cited by Ambry Genetics and OMIM).